The following is an entry in ClinVar:

NM_001723.7(DST):c.6545A>G (p.Asp2182Gly)

Gene: DST (dystonin; minus strand). Cytogenetic location: 6p12.1.
Variant type: single nucleotide variant.
Coding change: c.6545A>G on transcript NM_001723.7 (MANE Plus Clinical); coding-DNA position 6545, A replaced by G.
Protein change: p.Asp2182Gly; replaces aspartic acid 2182 with glycine.
Molecular consequence: missense variant. On other transcripts: intron variant (10).
Genome position (GRCh38, 1-based): chr6:56,616,922, T>C on the plus strand (A>G on the coding strand, the complement: DST is on the minus strand). VCF-style: chr6-56616922-T-C. GRCh37 (hg19) VCF-style: chr6-56481720-T-C.
Other names: c.4831-2438A>G (NM_001144769.5); c.4930-2438A>G (NM_001374722.1, NM_001374736.1); c.4957-2438A>G (NM_001374734.1); c.4417-2438A>G (NM_001144770.2); c.4297-2438A>G (NM_001374730.1, NM_001386100.1, NM_183380.4 and 1 more transcripts); c.3319-2438A>G (NM_015548.5); short protein forms D2182G.
Identifiers: ClinVar variation 1900721 (VCV001900721.3), dbSNP rs1300651917, ClinGen allele CA364564916.
Genomic context (GRCh38, chr6:56,616,922, plus strand): 5'-GGGTCAACAACTCCTTTAAGAACTGCATCTTCAACAGAATATGTCTGACCTGAAATGGGA[T>C]CAATTATAAAACCTGTTGCAGCCTGAGCTTCTAAAAATGCCAAAGCCACCATTTTGTCTA-3'
Protein context (NP_001714.1, residues 2172-2192): EAQAATGFII[Asp2182Gly]PISGQTYSVE

ClinVar aggregate classification (germline): Uncertain significance (1 of 4 stars; one submission).

Conditions:
Hereditary sensory and autonomic neuropathy type 6. Also called: HSAN VI; Neuropathy, hereditary sensory and autonomic, type VI. Identifiers: Orphanet 314381, MedGen C3539003, MONDO:0013839, OMIM 614653.
Epidermolysis bullosa simplex 3, localized or generalized intermediate, with BP230 deficiency (EBS3). Also called: Epidermolysis bullosa simplex, autosomal recessive 2; Epidermolysis bullosa simplex due to BP230 deficiency. Identifiers: Orphanet 412181, MedGen C3809470, MONDO:0014180, OMIM 615425.

Allele frequency attached by ClinVar (database versions not stated): gnomAD exomes below 0.00001; TOPMed below 0.00001.
gnomAD v4.1: 2 of 1,609,074 alleles (0.00012%); highest among the groups gnomAD compares: East Asian, 0.0045%; no homozygotes.

Submission:

Labcorp Genetics (formerly Invitae), Labcorp
Classification: Uncertain significance for Epidermolysis bullosa simplex 3, localized or generalized intermediate, with BP230 deficiency; Hereditary sensory and autonomic neuropathy type 6. Last evaluated: 2022-02-24. Review status: criteria provided, single submitter. Criteria: Invitae Variant Classification Sherloc (09022015). Collection method: clinical testing. Allele origin: germline.
Comment: In summary, the available evidence is currently insufficient to determine the role of this variant in disease. Therefore, it has been classified as a Variant of Uncertain Significance. Algorithms developed to predict the effect of missense changes on protein structure and function (SIFT, PolyPhen-2, Align-GVGD) all suggest that this variant is likely to be tolerated. This variant has not been reported in the literature in individuals affected with DST-related conditions. This variant is present in population databases (no rsID available, gnomAD 0.01%). This sequence change replaces aspartic acid, which is acidic and polar, with glycine, which is neutral and non-polar, at codon 2182 of the DST protein (p.Asp2182Gly).